The following is an entry in ClinVar:

NM_000059.4(BRCA2):c.8912A>C (p.Lys2971Thr)

Gene: BRCA2 (BRCA2 DNA repair associated; plus strand). Cytogenetic location: 13q13.1.
Variant type: single nucleotide variant.
Coding change: c.8912A>C on transcript NM_000059.4 (MANE Select); coding-DNA position 8912, A replaced by C.
Protein change: p.Lys2971Thr; replaces lysine 2971 with threonine.
Molecular consequence: missense variant. On other transcripts: non-coding transcript variant (1).
Genome position (GRCh38, 1-based): chr13:32,379,474, A>C. VCF-style: chr13-32379474-A-C. GRCh37 (hg19) VCF-style: chr13-32953611-A-C.
Other names: c.8816A>C, p.Lys2939Thr (NM_001406719.1); c.8912A>C, p.Lys2971Thr (NM_001406720.1); c.3980A>C, p.Lys1327Thr (NM_001406721.1); c.2495A>C, p.Lys832Thr (NM_001406722.1); short protein forms K2971T, K2939T, K832T, K1327T.
Identifiers: ClinVar variation 2849023 (VCV002849023.4), dbSNP rs2137620416, ClinGen allele CA387757267.

ClinVar aggregate classification (germline): Conflicting classifications of pathogenicity. Review status: criteria provided, conflicting classifications (1 of 4 stars). 2 submissions from 2 submitters: Uncertain significance (1); Likely benign (1). Last evaluated 2025-03-19.

Conditions:
Hereditary breast ovarian cancer syndrome. Also called: Hereditary breast and ovarian cancer syndrome (HBOC); Hereditary breast and ovarian cancer syndrome; Breast and ovarian cancer; BRCA1- and BRCA2-Associated Hereditary Breast and Ovarian Cancer; Hereditary breast and ovarian cancer; Hereditary breast and/or ovarian cancer syndrome. Identifiers: Orphanet 145, MedGen C0677776, MeSH D061325, MONDO:0003582. Disease mechanism: loss of function.
Hereditary cancer-predisposing syndrome. Also called: Neoplastic Syndromes, Hereditary; Hereditary Cancer Syndrome; Tumor predisposition; Hereditary neoplastic syndrome. Identifiers: Orphanet 140162, MedGen C0027672, MeSH D009386, MONDO:0015356.

Submissions (2):

Ambry Genetics
Classification: Likely benign for Hereditary cancer-predisposing syndrome. Last evaluated: 2025-03-19. Review status: criteria provided, single submitter. Criteria: Ambry Variant Classification Scheme 2023. Collection method: clinical testing. Allele origin: germline.

Labcorp Genetics (formerly Invitae), Labcorp
Classification: Uncertain significance for Hereditary breast ovarian cancer syndrome. Last evaluated: 2024-07-24. Review status: criteria provided, single submitter. Criteria: Invitae Variant Classification Sherloc (09022015). Collection method: clinical testing. Allele origin: germline.
Comment: This sequence change replaces lysine, which is basic and polar, with threonine, which is neutral and polar, at codon 2971 of the BRCA2 protein (p.Lys2971Thr). This variant is not present in population databases (gnomAD no frequency). This variant has not been reported in the literature in individuals affected with BRCA2-related conditions. Advanced modeling of protein sequence and biophysical properties (such as structural, functional, and spatial information, amino acid conservation, physicochemical variation, residue mobility, and thermodynamic stability) performed at Invitae indicates that this missense variant is not expected to disrupt BRCA2 protein function with a negative predictive value of 95%. In summary, the available evidence is currently insufficient to determine the role of this variant in disease. Therefore, it has been classified as a Variant of Uncertain Significance.